The following is an entry in ClinVar:

ClinVar aggregate classification (germline): Likely benign. Review status: criteria provided, multiple submitters, no conflicts (2 of 4 stars). 2 submissions from 2 submitters: Likely benign (2). Last evaluated 2023-09-27.

Submissions (2):

Labcorp Genetics (formerly Invitae), Labcorp
Classification: Likely benign. Last evaluated: 2023-09-27. Review status: criteria provided, single submitter. Criteria: Invitae Variant Classification Sherloc (09022015). Collection method: clinical testing. Allele origin: germline.

GeneDx
Classification: Likely benign. Last evaluated: 2017-09-20. Review status: criteria provided, single submitter. Criteria: GeneDx Variant Classification (06012015). Collection method: clinical testing. Allele origin: germline. Affected: yes.
Comment: This variant is considered likely benign or benign based on one or more of the following criteria: it is a conservative change, it occurs at a poorly conserved position in the protein, it is predicted to be benign by multiple in silico algorithms, and/or has population frequency not consistent with disease.

NM_006231.4(POLE):c.5378+9C>G

Gene: POLE (DNA polymerase epsilon, catalytic subunit; minus strand). Cytogenetic location: 12q24.33.
Variant type: single nucleotide variant.
Coding change: c.5378+9C>G on transcript NM_006231.4 (MANE Select); 9 bases into the intron after coding-DNA position 5378, C replaced by G.
Molecular consequence: intron variant.
Genome position (GRCh38, 1-based): chr12:132,641,638, G>C on the plus strand (C>G on the coding strand, the complement: POLE is on the minus strand). VCF-style: chr12-132641638-G-C. GRCh37 (hg19) VCF-style: chr12-133218224-G-C.
Identifiers: ClinVar variation 512267 (VCV000512267.9), dbSNP rs1177871620, ClinGen allele CA658798017.
Genomic context (GRCh38, chr12:132,641,638, plus strand): 5'-GCTTTCCAAATTAAGGGCAAAGGATAAGACCCTTCTATTAGTAACACTCCTTCCCAGAGA[G>C]GGTGGCACCTGAAGGTGTTAGAGCACAGGGCTGTCTCATCGTAGCTGGCCGGGGCACTGG-3'